The following is an entry in ClinVar:

NM_005499.3(UBA2):c.364C>G (p.Arg122Gly)

Gene: UBA2 (ubiquitin like modifier activating enzyme 2; plus strand). Cytogenetic location: 19q13.11.
Variant type: single nucleotide variant.
Coding change: c.364C>G on transcript NM_005499.3 (MANE Select); coding-DNA position 364, C replaced by G.
Protein change: p.Arg122Gly; replaces arginine 122 with glycine.
Molecular consequence: missense variant.
Genome position (GRCh38, 1-based): chr19:34,434,873, C>G. VCF-style: chr19-34434873-C-G. GRCh37 (hg19) VCF-style: chr19-34925778-C-G.
Other names: short protein forms R122G.
Identifiers: ClinVar variation 978773 (VCV000978773.3), dbSNP rs1599889628, ClinGen allele CA405254339.

ClinVar aggregate classification (germline): Uncertain significance. Review status: criteria provided, single submitter (1 of 4 stars). 2 submissions from 2 submitters: Uncertain significance (1). 1 of the submissions does not count toward it. Last evaluated 2020-09-29.

Conditions:
Ectrodactyly. Also called: Split-hand/foot malformation; Split hand-foot malformation. Identifiers: Orphanet 2440, MedGen C0265554, MONDO:0016576, HP:0100257.
ACCES syndrome (ACCES). Also called: APLASIA CUTIS CONGENITA WITH ECTRODACTYLY SKELETAL SYNDROME. Identifiers: MedGen C5677019, MONDO:0859262, OMIM 619959.

Submissions (2):

Care4Rare-SOLVE, CHEO
Classification: Uncertain significance for Ectrodactyly. Last evaluated: 2020-09-29. Review status: criteria provided, single submitter. Criteria: ACMG Guidelines, 2015. Collection method: research. Allele origin: de novo. Inheritance: Autosomal dominant inheritance. Affected: yes. Observed: 1 heterozygote.
Comment: The Arg122Gly variant in UBA2 has not been previously reported, and was absent from large population studies. In silico analyses predict this change to impact protein structure and/or function (SIFT, PolyPhen-2, MutationTaster, CADD).

OMIM
Classification: Pathogenic for ACCES SYNDROME. Last evaluated: 2022-07-14. Review status: no assertion criteria provided. Collection method: literature only. Allele origin: germline. Not counted in ClinVar's aggregate classification.

Literature cited by the submitters: PubMed 34040189 (cited by OMIM).